The following is an entry in ClinVar:

NM_001040108.2(MLH3):c.3199T>G (p.Phe1067Val)

Gene: MLH3 (mutL homolog 3; minus strand). Cytogenetic location: 14q24.3.
Variant type: single nucleotide variant.
Coding change: c.3199T>G on transcript NM_001040108.2 (MANE Select); coding-DNA position 3199, T replaced by G.
Protein change: p.Phe1067Val; replaces phenylalanine 1067 with valine.
Molecular consequence: missense variant.
Genome position (GRCh38, 1-based): chr14:75,046,457, A>C on the plus strand (T>G on the coding strand, the complement: MLH3 is on the minus strand). VCF-style: chr14-75046457-A-C. GRCh37 (hg19) VCF-style: chr14-75513160-A-C.
Other names: c.3199T>G, p.Phe1067Val (NM_014381.3); short protein forms F1067V.
Identifiers: ClinVar variation 1728755 (VCV001728755.4), dbSNP rs746266833, ClinGen allele CA7275574.
Genomic context (GRCh38, chr14:75,046,457, plus strand): 5'-CAGCCACAGTTGTCAGGTCTTTAGTACAAGCAGCCTGAATGTCCTCAGTTGGGGCAATGA[A>C]TGTGCTGAGTCCAGTCATTTTGTTGACATAAACCATTCTTCCCAGGGCTACATCGAAATG-3'
Protein context (NP_001035197.1, residues 1057-1077): YVNKMTGLST[Phe1067Val]IAPTEDIQAA

ClinVar aggregate classification (germline): Uncertain significance. Review status: criteria provided, multiple submitters, no conflicts (2 of 4 stars). 2 submissions from 2 submitters: Uncertain significance (2). Last evaluated 2024-10-29.

Allele frequency attached by ClinVar (database versions not stated): gnomAD exomes below 0.00001; TOPMed below 0.00001; ExAC 0.00001; gnomAD 0.00001.
gnomAD v4.1: 3 of 1,614,058 alleles (0.00019%); highest among the groups gnomAD compares: Non-Finnish European, 0.00025%; no homozygotes.

Submissions (2):

Blueprint Genetics
Classification: Uncertain significance. Last evaluated: 2024-10-29. Review status: criteria provided, single submitter. Criteria: ACMG Guidelines, 2015. Collection method: clinical testing. Allele origin: germline.

Ambry Genetics
Classification: Uncertain significance. Last evaluated: 2024-10-15. Review status: criteria provided, single submitter. Criteria: Ambry Variant Classification Scheme 2023. Collection method: clinical testing. Allele origin: germline.
Comment: The p.F1067V variant (also known as c.3199T>G), located in coding exon 1 of the MLH3 gene, results from a T to G substitution at nucleotide position 3199. The phenylalanine at codon 1067 is replaced by valine, an amino acid with highly similar properties. This amino acid position is conserved. In addition, the in silico prediction for this alteration is inconclusive. Since supporting evidence is limited at this time, the clinical significance of this alteration remains unclear.